The following is an entry in ClinVar:

NC_000016.9:g.(?_89806382)_(89807294_?)del

Genes: ZNF276 (zinc finger protein 276; plus strand), FANCA (FA complementation group A; minus strand). Cytogenetic location: 16q24.3.
Variant type: Deletion.
Identifiers: ClinVar variation 3243273 (VCV003243273.1).

ClinVar aggregate classification (germline): Pathogenic (1 of 4 stars; one submission).

Conditions:
Fanconi anemia (FA). Also called: Fanconi's anemia. Identifiers: Orphanet 84, MedGen C0015625, MeSH D005199, MONDO:0019391.

Submission:

Labcorp Genetics (formerly Invitae), Labcorp
Classification: Pathogenic for Fanconi anemia. Last evaluated: 2023-02-25. Review status: criteria provided, single submitter. Criteria: Invitae Variant Classification Sherloc (09022015). Collection method: clinical testing. Allele origin: unknown.
Comment: This variant is a gross deletion of the genomic region encompassing exon(s) 38-39 of the FANCA gene. This deletion is out-of-frame, and is expected to create a premature termination codon and result in an absent or disrupted protein product. Loss-of-function variants in FANCA are known to be pathogenic (PMID: 19367192). This variant has not been reported in the literature in individuals affected with FANCA-related conditions. For these reasons, this variant has been classified as Pathogenic.

Literature cited by the submitters: PubMed 19367192.